The following is an entry in ClinVar:

NM_000245.4(MET):c.2248A>G (p.Thr750Ala)

Gene: MET (MET proto-oncogene, receptor tyrosine kinase; plus strand). Cytogenetic location: 7q31.2.
Variant type: single nucleotide variant.
Coding change: c.2248A>G on transcript NM_000245.4 (MANE Select); coding-DNA position 2248, A replaced by G.
Protein change: p.Thr750Ala; replaces threonine 750 with alanine.
Molecular consequence: missense variant.
Genome position (GRCh38, 1-based): chr7:116,758,604, A>G. VCF-style: chr7-116758604-A-G. GRCh37 (hg19) VCF-style: chr7-116398658-A-G.
Other names: c.2248A>G, p.Thr750Ala (NM_001127500.3, NM_001324401.3); c.958A>G, p.Thr320Ala (NM_001324402.2); short protein forms T750A, T320A.
Identifiers: ClinVar variation 411886 (VCV000411886.14), dbSNP rs1060503531, ClinGen allele CA16612000.

ClinVar aggregate classification (germline): Conflicting classifications of pathogenicity. Review status: criteria provided, conflicting classifications (1 of 4 stars). 2 submissions from 2 submitters: Uncertain significance (1); Likely benign (1). Last evaluated 2026-07-30.

Conditions:
Hereditary cancer-predisposing syndrome. Also called: Neoplastic Syndromes, Hereditary; Hereditary Cancer Syndrome; Tumor predisposition; Hereditary neoplastic syndrome. Identifiers: Orphanet 140162, MedGen C0027672, MeSH D009386, MONDO:0015356.
Renal cell carcinoma. Identifiers: Orphanet 217071, MedGen C0007134, MeSH D002292, MONDO:0005086, HP:0005584.

Submissions (2):

Ambry Genetics
Classification: Likely benign for Hereditary cancer-predisposing syndrome. Last evaluated: 2026-07-30. Review status: criteria provided, single submitter. Criteria: Ambry Variant Classification Scheme 2023. Collection method: clinical testing. Allele origin: germline.

Labcorp Genetics (formerly Invitae), Labcorp
Classification: Uncertain significance for Renal cell carcinoma. Last evaluated: 2016-09-22. Review status: criteria provided, single submitter. Criteria: Invitae Variant Classification Sherloc (09022015). Collection method: clinical testing. Allele origin: germline.
Comment: Algorithms developed to predict the effect of missense changes on protein structure and function (SIFT, PolyPhen-2, Align-GVGD) all suggest that this variant is likely to be tolerated, but these predictions have not been confirmed by published functional studies. This variant is not present in population databases (ExAC no frequency) and has not been reported in the literature in individuals with a MET-related disease. This sequence change replaces threonine with alanine at codon 750 of the MET protein (p.Thr750Ala). The threonine residue is moderately conserved and there is a small physicochemical difference between threonine and alanine. Algorithms developed to predict the effect of sequence changes on RNA splicing suggest that this variant may alter RNA splicing, but this prediction has not been confirmed by published transcriptional studies. In summary, this variant is a novel missense change with uncertain impact on protein function. It has been classified as a Variant of Uncertain Significance.